The following is an entry in ClinVar:

ClinVar aggregate classification (germline): Benign/Likely benign. Review status: criteria provided, multiple submitters, no conflicts (2 of 4 stars). 7 submissions from 7 submitters: Benign (4); Likely benign (3). Last evaluated 2026-04-01.

Conditions:
Inborn genetic diseases. Identifiers: MedGen C0950123, MeSH D030342.
Developmental and epileptic encephalopathy 94 (DEE94). Also called: Epileptic encephalopathy, childhood-onset; CHD2-Related Neurodevelopmental Disorders. Identifiers: Orphanet 1942, Orphanet 2382, MedGen C3809278, MONDO:0014150, OMIM 615369.

Allele frequency attached by ClinVar (database versions not stated): 1000 Genomes Project 0.00100; gnomAD 0.00117 and 0.00121; TOPMed 0.00117; 1000 Genomes Project 30x 0.00125; ExAC 0.00127; gnomAD exomes 0.00128 and 0.00187; ESP Exome Variant Server 0.00154.
gnomAD v4.1: 2,909 of 1,613,968 alleles (0.18%); highest among the groups gnomAD compares: Non-Finnish European, 0.21%; 3 homozygotes.

Submissions (7):

CeGaT Center for Human Genetics Tuebingen
Classification: Likely benign. Last evaluated: 2026-04-01. Review status: criteria provided, single submitter. Criteria: CeGaT Center For Human Genetics Tuebingen Variant Classification Criteria Version 2. Collection method: clinical testing. Allele origin: germline. Affected: yes. Observed: 14 variant alleles.
Comment: CHD2: BP4, BP7, BS1

Labcorp Genetics (formerly Invitae), Labcorp
Classification: Benign for Developmental and epileptic encephalopathy 94. Last evaluated: 2026-02-02. Review status: criteria provided, single submitter. Criteria: Invitae Variant Classification Sherloc (09022015). Collection method: clinical testing. Allele origin: germline.

Blueprint Genetics
Classification: Likely benign. Last evaluated: 2024-11-17. Review status: criteria provided, single submitter. Criteria: ACMG Guidelines, 2015. Collection method: clinical testing. Allele origin: germline.

GeneDx
Classification: Benign. Last evaluated: 2021-03-23. Review status: criteria provided, single submitter. Criteria: GeneDx Variant Classification Process June 2021. Collection method: clinical testing. Allele origin: germline. Affected: yes.

Mayo Clinic Laboratories, Mayo Clinic
Classification: Benign. Last evaluated: 2019-06-03. Review status: criteria provided, single submitter. Criteria: ACMG Guidelines, 2015. Collection method: clinical testing. Allele origin: germline. Observed: 3 variant alleles.

Athena Diagnostics
Classification: Benign. Last evaluated: 2018-01-12. Review status: criteria provided, single submitter. Criteria: Athena Diagnostics Criteria. Collection method: clinical testing. Allele origin: germline.

Ambry Genetics
Classification: Likely benign for Inborn genetic diseases. Last evaluated: 2016-07-28. Review status: criteria provided, single submitter. Criteria: Ambry Variant Classification Scheme 2023. Collection method: clinical testing. Allele origin: germline.

NM_001271.4(CHD2):c.5049C>T (p.Ala1683=)

Gene: CHD2 (chromodomain helicase DNA binding protein 2; plus strand). Cytogenetic location: 15q26.1.
Variant type: single nucleotide variant.
Coding change: c.5049C>T on transcript NM_001271.4 (MANE Select); coding-DNA position 5049, C replaced by T.
Protein change: p.Ala1683=; no amino-acid change (alanine 1683 retained).
Molecular consequence: synonymous variant.
Genome position (GRCh38, 1-based): chr15:93,020,154, C>T. VCF-style: chr15-93020154-C-T. GRCh37 (hg19) VCF-style: chr15-93563384-C-T.
Other names: p.Ala1683=.
Identifiers: ClinVar variation 384954 (VCV000384954.81), dbSNP rs139534358, ClinGen allele CA7748632.